The following is an entry in ClinVar:

NM_002890.3(RASA1):c.2149A>G (p.Ile717Val)

Genes: CCNH (cyclin H; minus strand), RASA1 (RAS p21 protein activator 1; plus strand). Cytogenetic location: 5q14.3.
Variant type: single nucleotide variant.
Coding change: c.2149A>G on transcript NM_002890.3 (MANE Select); coding-DNA position 2149, A replaced by G.
Protein change: p.Ile717Val; replaces isoleucine 717 with valine.
Molecular consequence: missense variant. On other transcripts: intron variant (1).
Genome position (GRCh38, 1-based): chr5:87,376,530, A>G. VCF-style: chr5-87376530-A-G. GRCh37 (hg19) VCF-style: chr5-86672347-A-G.
Other names: c.1618A>G, p.Ile540Val (NM_022650.3); c.933+18514T>C (NM_001364075.2); short protein forms I540V, I717V.
Identifiers: ClinVar variation 993860 (VCV000993860.13), dbSNP rs972697183, ClinGen allele CA121812783.
Genomic context (GRCh38, chr5:87,376,530, plus strand): 5'-CCATTAAAAGGTATTGAACCAGGGTCCCTGCGTGTTCGAGCACGATACTCTATGGAAAAA[A>G]TCATGCCAGAAGAAGAGTACAGTGAATTTAAAGAGGTATTAAATTATTTATCAGTCTTGT-3'
Protein context (NP_002881.1, residues 707-727): RVRARYSMEK[Ile717Val]MPEEEYSEFK

ClinVar aggregate classification (germline): Conflicting classifications of pathogenicity. Review status: criteria provided, conflicting classifications (1 of 4 stars). 3 submissions from 3 submitters: Uncertain significance (2); Likely benign (1). Last evaluated 2025-10-05.

Conditions:
Cardiovascular phenotype. Identifiers: MedGen CN230736.
Capillary malformation-arteriovenous malformation syndrome. Also called: Capillary malformation-arteriovenous malformation. Identifiers: Orphanet 137667, MedGen C1842180, MONDO:0012016.

Allele frequency attached by ClinVar (database versions not stated): gnomAD exomes below 0.00001; gnomAD 0.00001; TOPMed 0.00001.
gnomAD v4.1: 5 of 1,613,950 alleles (0.00031%); highest among the groups gnomAD compares: Admixed American, 0.005%; no homozygotes.

Submissions (3):

Ambry Genetics
Classification: Uncertain significance for Cardiovascular phenotype. Last evaluated: 2025-10-05. Review status: criteria provided, single submitter. Criteria: Ambry Variant Classification Scheme 2023. Collection method: clinical testing. Allele origin: germline.
Comment: The p.I717V variant (also known as c.2149A>G), located in coding exon 16 of the RASA1 gene, results from an A to G substitution at nucleotide position 2149. The isoleucine at codon 717 is replaced by valine, an amino acid with highly similar properties. This amino acid position is conserved. In addition, this alteration is predicted to be tolerated by in silico analysis. Based on the available evidence, the clinical significance of this variant remains unclear.

Labcorp Genetics (formerly Invitae), Labcorp
Classification: Uncertain significance for Capillary malformation-arteriovenous malformation syndrome. Last evaluated: 2025-09-09. Review status: criteria provided, single submitter. Criteria: Invitae Variant Classification Sherloc (09022015). Collection method: clinical testing. Allele origin: germline.
Comment: This sequence change replaces isoleucine, which is neutral and non-polar, with valine, which is neutral and non-polar, at codon 717 of the RASA1 protein (p.Ile717Val). This variant is present in population databases (no rsID available, gnomAD 0.003%). This variant has not been reported in the literature in individuals affected with RASA1-related conditions. ClinVar contains an entry for this variant (Variation ID: 993860). An algorithm developed to predict the effect of missense changes on protein structure and function (PolyPhen-2) suggests that this variant is likely to be disruptive. In summary, the available evidence is currently insufficient to determine the role of this variant in disease. Therefore, it has been classified as a Variant of Uncertain Significance.

ARUP Laboratories, Molecular Genetics and Genomics, ARUP Laboratories
Classification: Likely benign. Last evaluated: 2019-09-29. Review status: criteria provided, single submitter. Criteria: ARUP Molecular Germline Variant Investigation Process. Collection method: clinical testing. Allele origin: germline.